The following is an entry in ClinVar:

ClinVar aggregate classification (germline): Pathogenic/Likely pathogenic. Review status: criteria provided, multiple submitters, no conflicts (2 of 4 stars). 2 submissions from 2 submitters: Pathogenic (1); Likely pathogenic (1). Last evaluated 2021-07-31.

Conditions:
Marfan syndrome (MFS). Also called: Marfan syndrome type 1; Marfan syndrome, classic; Marfan's syndrome; FBN1-Related Marfan Syndrome; MARFAN SYNDROME, TYPE I. Identifiers: Orphanet 284963, Orphanet 558, MedGen C0024796, MONDO:0007947, OMIM 154700.
Familial thoracic aortic aneurysm and aortic dissection (TAAD). Also called: Thoracic aortic aneurysms and dissections. Identifiers: Orphanet 91387, MedGen C4707243, MONDO:0019625.

Submissions (2):

Labcorp Genetics (formerly Invitae), Labcorp
Classification: Pathogenic for Marfan syndrome; Familial thoracic aortic aneurysm and aortic dissection. Last evaluated: 2021-07-31. Review status: criteria provided, single submitter. Criteria: Invitae Variant Classification Sherloc (09022015). Collection method: clinical testing. Allele origin: germline.
Comment: This sequence change creates a premature translational stop signal (p.Trp1354Glyfs*59) in the FBN1 gene. It is expected to result in an absent or disrupted protein product. Loss-of-function variants in FBN1 are known to be pathogenic (PMID: 17657824, 19293843). This variant is not present in population databases (ExAC no frequency). This variant has not been reported in the literature in individuals affected with FBN1-related conditions. ClinVar contains an entry for this variant (Variation ID: 547317). For these reasons, this variant has been classified as Pathogenic.

Center for Human Genetics, Inc
Classification: Likely pathogenic for Marfan syndrome. Last evaluated: 2016-11-01. Review status: criteria provided, single submitter. Criteria: ACMG Guidelines, 2015. Collection method: clinical testing. Allele origin: germline. Affected: yes.

Literature cited by the submitters: PubMed 17657824 (cited by Labcorp Genetics (formerly Invitae), Labcorp); PubMed 19293843 (cited by Labcorp Genetics (formerly Invitae), Labcorp).

NM_000138.5(FBN1):c.4056del (p.Trp1354fs)

Gene: FBN1 (fibrillin 1; minus strand). Cytogenetic location: 15q21.1.
Variant type: Deletion.
Coding change: c.4056del on transcript NM_000138.5 (MANE Select); coding-DNA position 4056, one base deleted (C; older notation c.4056delC).
Protein change: p.Trp1354fs; shifts the reading frame from tryptophan 1354.
Molecular consequence: frameshift variant.
Genome position (GRCh38, 1-based): chr15:48,474,559, G deleted on the plus strand (C on the coding strand, the reverse complement: FBN1 is on the minus strand); the first of 3 consecutive G bases (chr15:48,474,559-48,474,561); deleting any one gives the same sequence. VCF-style (leftmost placement, unchanged base first): chr15-48474558-CG-C. GRCh37 (hg19) VCF-style: chr15-48766755-CG-C.
Other names: c.4056delC (NM_000138.4); short protein forms W1354fs.
Identifiers: ClinVar variation 547317 (VCV000547317.6), dbSNP rs1555397713, ClinGen allele CA658824323.